The following is an entry in ClinVar:

NM_000540.3(RYR1):c.11554G>T (p.Ala3852Ser)

Gene: RYR1 (ryanodine receptor 1; plus strand). Cytogenetic location: 19q13.2.
Variant type: single nucleotide variant.
Coding change: c.11554G>T on transcript NM_000540.3 (MANE Select); coding-DNA position 11554, G replaced by T.
Protein change: p.Ala3852Ser; replaces alanine 3852 with serine.
Molecular consequence: missense variant.
Genome position (GRCh38, 1-based): chr19:38,536,034, G>T. VCF-style: chr19-38536034-G-T. GRCh37 (hg19) VCF-style: chr19-39026674-G-T.
Other names: c.11539G>T, p.Ala3847Ser (NM_001042723.2); short protein forms A3847S, A3852S.
Identifiers: ClinVar variation 3069666 (VCV003069666.1), dbSNP rs2514535735, ClinGen allele CA405656592.

ClinVar aggregate classification (germline): Uncertain significance (1 of 4 stars; one submission).

Conditions:
Malignant hyperthermia, susceptibility to, 1 (MHS1). Also called: RYR1-Related Malignant Hyperthermia Susceptibility; Anesthesia related hyperthermia; Malignant hyperpyrexia; Fulminating hyperpyrexia; Pharmacogenic myopathy; Malignant hyperthermia suceptibility 1. Identifiers: Orphanet 423, MedGen C2930980, MONDO:0007783, OMIM 145600.

Allele frequency attached by ClinVar (database versions not stated): gnomAD exomes below 0.00001.

Submission:

All of Us Research Program, National Institutes of Health
Classification: Uncertain significance for Malignant hyperthermia, susceptibility to, 1. Last evaluated: 2023-02-24. Review status: criteria provided, single submitter. Criteria: ACMG Guidelines, 2015. Collection method: clinical testing. Allele origin: germline. Inheritance: Autosomal dominant inheritance. Observed: 1 variant allele, 1 heterozygote.
Comment: This missense variant replaces alanine with serine at codon 3852 of the RYR1 protein. Computational prediction suggests that this variant may have deleterious impact on protein structure and function (internally defined REVEL score threshold >= 0.7, PMID: 27666373). To our knowledge, functional studies have not been reported for this variant. This variant has not been reported in individuals affected with RYR1-related disorders in the literature. This variant has not been identified in the general population by the Genome Aggregation Database (gnomAD). The available evidence is insufficient to determine the role of this variant in disease conclusively. Therefore, this variant is classified as a Variant of Uncertain Significance.

This study involves interpretation of variants in research participants for the purpose of population health screening. Participant phenotype was not available at the time of variant classification. Additional details can be found in publication PMID: 35346344, PMCID: PMC8962531